The following is an entry in ClinVar:

NM_001378156.1(C1QB):c.427G>A (p.Val143Met)

Gene: C1QB (complement C1q B chain; plus strand). Cytogenetic location: 1p36.12.
Variant type: single nucleotide variant.
Coding change: c.427G>A on transcript NM_001378156.1 (MANE Select); coding-DNA position 427, G replaced by A.
Protein change: p.Val143Met; replaces valine 143 with methionine.
Molecular consequence: missense variant.
Genome position (GRCh38, 1-based): chr1:22,661,057, G>A. VCF-style: chr1-22661057-G-A. GRCh37 (hg19) VCF-style: chr1-22987550-G-A.
Other names: c.433G>A, p.Val145Met (NM_000491.5); c.427G>A, p.Val143Met (NM_001371184.3); c.433G>A (NM_000491.4); short protein forms V143M, V145M.
Identifiers: ClinVar variation 1435489 (VCV001435489.7), dbSNP rs749536477, ClinGen allele CA678167.

ClinVar aggregate classification (germline): Uncertain significance. Review status: criteria provided, multiple submitters, no conflicts (2 of 4 stars). 2 submissions from 2 submitters: Uncertain significance (2). Last evaluated 2025-01-06.

Conditions:
C1Q deficiency 2. Identifiers: MedGen C5830422, MONDO:0958187, OMIM 620321.

Allele frequency attached by ClinVar (database versions not stated): gnomAD exomes below 0.00001 and 0.00002; gnomAD 0.00001; TOPMed 0.00001; ExAC 0.00002.

Submissions (2):

Labcorp Genetics (formerly Invitae), Labcorp
Classification: Uncertain significance. Last evaluated: 2025-01-06. Review status: criteria provided, single submitter. Criteria: Invitae Variant Classification Sherloc (09022015). Collection method: clinical testing. Allele origin: germline.
Comment: This sequence change replaces valine, which is neutral and non-polar, with methionine, which is neutral and non-polar, at codon 145 of the C1QB protein (p.Val145Met). The frequency data for this variant in the population databases is considered unreliable, as metrics indicate poor data quality at this position in the gnomAD database. This variant has not been reported in the literature in individuals affected with C1QB-related conditions. ClinVar contains an entry for this variant (Variation ID: 1435489). Invitae Evidence Modeling of protein sequence and biophysical properties (such as structural, functional, and spatial information, amino acid conservation, physicochemical variation, residue mobility, and thermodynamic stability) indicates that this missense variant is not expected to disrupt C1QB protein function with a negative predictive value of 80%. In summary, the available evidence is currently insufficient to determine the role of this variant in disease. Therefore, it has been classified as a Variant of Uncertain Significance.

Fulgent Genetics
Classification: Uncertain significance for C1Q deficiency 2. Last evaluated: 2024-04-19. Review status: criteria provided, single submitter. Criteria: ACMG Guidelines, 2015. Collection method: clinical testing. Allele origin: germline.